The following is an entry in ClinVar:

NM_001009944.3(PKD1):c.12409C>T (p.Leu4137=)

Gene: PKD1 (polycystin 1, transient receptor potential channel interacting; minus strand). Cytogenetic location: 16p13.3.
Variant type: single nucleotide variant.
Coding change: c.12409C>T on transcript NM_001009944.3 (MANE Select); coding-DNA position 12409, C replaced by T.
Protein change: p.Leu4137=; no amino-acid change (leucine 4137 retained).
Molecular consequence: synonymous variant.
Genome position (GRCh38, 1-based): chr16:2,090,320, G>A on the plus strand (C>T on the coding strand, the complement: PKD1 is on the minus strand). VCF-style: chr16-2090320-G-A. GRCh37 (hg19) VCF-style: chr16-2140321-G-A.
Other names: p.Leu4137=; c.12406C>T, p.Leu4136= (NM_000296.4).
Identifiers: ClinVar variation 256918 (VCV000256918.23), dbSNP rs79899502, ClinGen allele CA7828652.
Genomic context (GRCh38, chr16:2,090,320, plus strand): 5'-CTCCCCCCCACTGGGCCGTACCCACCTCCTTGACCTTGCTGAGGCCCATCCAGAGGCGCA[G>A]CCTGCGCAGGAACAACTCCACCATCTCGTAGTCCTGGGGCTCCCAGGCCGGCCGGTACAG-3'
Protein context (NP_001009944.3, residues 4127-4147): YEMVELFLRR[Leu4137=]RLWMGLSKVK

ClinVar aggregate classification (germline): Benign. Review status: criteria provided, multiple submitters, no conflicts (2 of 4 stars). 12 submissions from 12 submitters: Benign (9). 3 of the submissions do not count toward it. Last evaluated 2025-04-25.

Conditions:
Autosomal dominant polycystic kidney disease. Identifiers: Orphanet 730, MedGen C0085413, MONDO:0004691.
Polycystic kidney disease, adult type (PKD1). Also called: Polycystic Kidney, Autosomal Dominant; Polycystic Kidney Disease 1, Autosomal Dominant; Polycystic kidney disease 1; Polycystic kidney disease 1, severe; POLYCYSTIC KIDNEY DISEASE 1 WITH OR WITHOUT POLYCYSTIC LIVER DISEASE; POLYCYSTIC KIDNEY DISEASE, ADULT, TYPE I. Identifiers: MedGen C3149841, MONDO:0008263, OMIM 173900.
Polycystic kidney disease. Also called: Polycystic kidney dysplasia; Kidney, Polycystic. Identifiers: MedGen C0022680, MeSH D007690, MONDO:0020642, HP:0000113.

Allele frequency attached by ClinVar (database versions not stated): 1000 Genomes Project 30x 0.03357; 1000 Genomes Project 0.03614; TOPMed 0.04541; gnomAD 0.05695 and 0.05705; ESP Exome Variant Server 0.05843; gnomAD exomes 0.06564 and 0.07315; ExAC 0.06765.
gnomAD v4.1: 114,950 of 1,611,706 alleles (7.1%); highest among the groups gnomAD compares: Non-Finnish European, 7.6%; 4,654 homozygotes.

Submissions (12):

Women's Health and Genetics/Laboratory Corporation of America, LabCorp
Classification: Benign. Last evaluated: 2025-04-25. Review status: criteria provided, single submitter. Criteria: LabCorp Variant Classification Summary - May 2015. Collection method: clinical testing. Allele origin: germline.

Blueprint Genetics
Classification: Benign. Last evaluated: 2024-11-27. Review status: criteria provided, single submitter. Criteria: ACMG Guidelines, 2015. Collection method: clinical testing. Allele origin: germline.

Mayo Clinic Laboratories, Mayo Clinic
Classification: Benign. Last evaluated: 2022-03-09. Review status: criteria provided, single submitter. Criteria: ACMG Guidelines, 2015. Collection method: clinical testing. Allele origin: germline. Observed: 44 variant alleles.

ARUP Laboratories, Molecular Genetics and Genomics, ARUP Laboratories
Classification: Benign for Polycystic kidney disease, adult type. Last evaluated: 2020-04-22. Review status: criteria provided, single submitter. Criteria: ARUP Molecular Germline Variant Investigation Process. Collection method: clinical testing. Allele origin: germline.

GeneDx
Classification: Benign. Last evaluated: 2019-08-29. Review status: criteria provided, single submitter. Criteria: GeneDx Variant Classification Process June 2021. Collection method: clinical testing. Allele origin: germline. Affected: yes.

Molecular Genetics of Inherited Kidney Disorders Laboratory, Garvan Institute of Medical Research
Classification: Benign for Autosomal dominant polycystic kidney disease. Last evaluated: 2019-01-01. Review status: criteria provided, single submitter. Criteria: ACMG Guidelines, 2015. Collection method: research. Allele origin: germline. Affected: yes.

Athena Diagnostics
Classification: Benign for Polycystic kidney disease, adult type. Last evaluated: 2017-05-25. Review status: criteria provided, single submitter. Criteria: Athena Diagnostics Criteria. Collection method: clinical testing. Allele origin: germline.

Breakthrough Genomics
Classification: Benign. Review status: criteria provided, single submitter. Criteria: ACMG Guidelines, 2015. Collection method: not provided. Allele origin: germline. Inheritance: Autosomal dominant inheritance. Affected: yes.

PreventionGenetics, part of Exact Sciences
Classification: Benign. Review status: criteria provided, single submitter. Criteria: ACMG Guidelines, 2015. Collection method: clinical testing. Allele origin: germline.

Department of Pathology and Laboratory Medicine, Sinai Health System
Classification: Benign for Polycystic Kidney disease. Review status: no assertion criteria provided. Collection method: clinical testing. Allele origin: unknown. Affected: yes. Observed: 1 variant allele. Study: The Canadian Open Genetics Repository (COGR). Not counted in ClinVar's aggregate classification.
Comment: The 12409C>T, p.Leu4137Leu variant was identified in 6.76% of 7967 control alleles in the Exome Aggregation Consortium (March 14, 2016). According to ACMG guidelines for variant classification based on allele frequency, category BA1, this variant is considered benign and has not been further reviewed (Richards 2015).

Genome Diagnostics Laboratory, University Medical Center Utrecht
Classification: Likely benign. Review status: no assertion criteria provided. Collection method: clinical testing. Allele origin: germline. Affected: yes. Study: VKGL Data-share Consensus. Not counted in ClinVar's aggregate classification.

Joint Genome Diagnostic Labs from Nijmegen and Maastricht, Radboudumc and MUMC+
Classification: Benign. Review status: no assertion criteria provided. Collection method: clinical testing. Allele origin: germline. Affected: yes. Study: VKGL Data-share Consensus. Not counted in ClinVar's aggregate classification.